The following is an entry in ClinVar:

ClinVar aggregate classification (germline): Conflicting classifications of pathogenicity. Review status: criteria provided, conflicting classifications (1 of 4 stars). 2 submissions from 2 submitters: Uncertain significance (1); Likely benign (1). Last evaluated 2024-09-05.

Conditions:
Immunodeficiency 39 (IMD39). Identifiers: Orphanet 574918, MedGen C4225358, MONDO:0014597, OMIM 616345.

Allele frequency attached by ClinVar (database versions not stated): gnomAD exomes below 0.00001 and 0.00001; gnomAD 0.00001.
gnomAD v4.1: 6 of 1,607,650 alleles (0.00037%); highest among the groups gnomAD compares: Admixed American, 0.005%; no homozygotes.

Submissions (2):

Ambry Genetics
Classification: Likely benign. Last evaluated: 2024-09-05. Review status: criteria provided, single submitter. Criteria: Ambry Variant Classification Scheme 2023. Collection method: clinical testing. Allele origin: germline.

Labcorp Genetics (formerly Invitae), Labcorp
Classification: Uncertain significance for Immunodeficiency 39. Last evaluated: 2023-07-25. Review status: criteria provided, single submitter. Criteria: Invitae Variant Classification Sherloc (09022015). Collection method: clinical testing. Allele origin: germline.
Comment: This sequence change replaces glycine, which is neutral and non-polar, with glutamic acid, which is acidic and polar, at codon 242 of the IRF7 protein (p.Gly242Glu). This variant is present in population databases (no rsID available, gnomAD 0.006%). This variant has not been reported in the literature in individuals affected with IRF7-related conditions. ClinVar contains an entry for this variant (Variation ID: 1416264). Algorithms developed to predict the effect of missense changes on protein structure and function output the following: SIFT: "Not Available"; PolyPhen-2: "Benign"; Align-GVGD: "Not Available". The glutamic acid amino acid residue is found in multiple mammalian species, which suggests that this missense change does not adversely affect protein function. In summary, the available evidence is currently insufficient to determine the role of this variant in disease. Therefore, it has been classified as a Variant of Uncertain Significance.

NM_001572.5(IRF7):c.686G>A (p.Gly229Glu)

Gene: IRF7 (interferon regulatory factor 7; minus strand). Cytogenetic location: 11p15.5.
Variant type: single nucleotide variant.
Coding change: c.686G>A on transcript NM_001572.5 (MANE Select); coding-DNA position 686, G replaced by A.
Protein change: p.Gly229Glu; replaces glycine 229 with glutamic acid.
Molecular consequence: missense variant. On other transcripts: intron variant (1).
Genome position (GRCh38, 1-based): chr11:614,031, C>T on the plus strand (G>A on the coding strand, the complement: IRF7 is on the minus strand). VCF-style: chr11-614031-C-T. GRCh37 (hg19) VCF-style: chr11-614031-C-T.
Other names: c.725G>A, p.Gly242Glu (NM_004031.4); c.679+143G>A (NM_004029.4); c.725G>A (NM_004031.2); short protein forms G242E, G229E.
Identifiers: ClinVar variation 1416264 (VCV001416264.7), dbSNP rs1156894268, ClinGen allele CA378980390.